The following is an entry in ClinVar:

ClinVar aggregate classification (germline): Pathogenic (1 of 4 stars; one submission).

Submission:

GeneDx
Classification: Pathogenic. Last evaluated: 2025-05-02. Review status: criteria provided, single submitter. Criteria: GeneDx Variant Classification Process June 2021. Collection method: clinical testing. Allele origin: germline. Affected: yes.
Comment: Not observed at significant frequency in large population cohorts (gnomAD); In silico analysis supports that this missense variant has a deleterious effect on protein structure/function; This variant is associated with the following publications: (PMID: 34971082, 35833929, 35982159, 33057194)

NM_013275.6(ANKRD11):c.7741C>T (p.Arg2581Cys)

Gene: ANKRD11 (ankyrin repeat domain containing 11; minus strand). Cytogenetic location: 16q24.3.
Variant type: single nucleotide variant.
Coding change: c.7741C>T on transcript NM_013275.6 (MANE Select); coding-DNA position 7741, C replaced by T.
Protein change: p.Arg2581Cys; replaces arginine 2581 with cysteine.
Molecular consequence: missense variant.
Genome position (GRCh38, 1-based): chr16:89,270,882, G>A on the plus strand (C>T on the coding strand, the complement: ANKRD11 is on the minus strand). VCF-style: chr16-89270882-G-A. GRCh37 (hg19) VCF-style: chr16-89337290-G-A.
Other names: c.7741C>T, p.Arg2581Cys (NM_001256182.2, NM_001256183.2); short protein forms R2581C.
Identifiers: ClinVar variation 2501486 (VCV002501486.3), dbSNP rs2544139930, ClinGen allele CA397146618.
Genomic context (GRCh38, chr16:89,270,882, plus strand): 5'-TGCGGTCATACTTGTCATCCACGTCCTGGAGCCAGGAGATGAACTGGCGGGCGTTGAAAC[G>A]GTCGCGCACTGACTTGTTCTCGTCACCCTGTGGAAACCAAACACGGGAGTTTCATCAGGA-3'
Protein context (NP_037407.4, residues 2571-2591): QGDENKSVRD[Arg2581Cys]FNARQFISWL